The following is an entry in ClinVar:

ClinVar aggregate classification (germline): Pathogenic (1 of 4 stars; one submission).

Conditions:
Autosomal recessive polycystic kidney disease (ARPKD). Also called: AR polycystic kidney disease. Identifiers: Orphanet 731, Orphanet 8378, MedGen C0085548, MeSH D017044, MONDO:0009889.

Submission:

Women's Health and Genetics/Laboratory Corporation of America, LabCorp
Classification: Pathogenic for Autosomal recessive polycystic kidney disease. Last evaluated: 2025-06-13. Review status: criteria provided, single submitter. Criteria: LabCorp Variant Classification Summary - May 2015. Collection method: clinical testing. Allele origin: germline.
Comment: Variant summary: PKHD1 c.4627_4628delTT (p.Leu1543GlyfsX21) results in a premature termination codon, predicted to cause a truncation of the encoded protein or absence of the protein due to nonsense mediated decay, which are commonly known mechanisms for disease. The variant was absent in 251336 control chromosomes. To our knowledge, no occurrence of c.4627_4628delTT in individuals affected with Polycystic Kidney And Hepatic Disease and no experimental evidence demonstrating its impact on protein function have been reported. No submitters have cited clinical-significance assessments for this variant to ClinVar. Based on the evidence outlined above, the variant was classified as pathogenic.

NM_138694.4(PKHD1):c.4627_4628del (p.Leu1543fs)

Genes: PKHD1 (PKHD1 ciliary IPT domain containing fibrocystin/polyductin; minus strand), LOC126859690 (MED14-independent group 3 enhancer GRCh37_chr6:51888848-51890047; plus strand). Cytogenetic location: 6p12.2.
Variant type: Deletion.
Coding change: c.4627_4628del on transcript NM_138694.4 (MANE Select); coding-DNA positions 4627 to 4628, 2 bases deleted (TT; older notation c.4627_4628delTT).
Protein change: p.Leu1543fs; shifts the reading frame from leucine 1543.
Molecular consequence: frameshift variant.
Genome position (GRCh38, 1-based): chr6:52,025,182-52,025,183, AA deleted on the plus strand (TT on the coding strand, the reverse complement: PKHD1 is on the minus strand). VCF-style (leftmost placement, unchanged base first): chr6-52025181-CAA-C. GRCh37 (hg19) VCF-style: chr6-51889979-CAA-C.
Other names: c.4627_4628del, p.Leu1543fs (NM_170724.3); c.4627_4628delTT (NM_138694.4); short protein forms L1543fs.
Identifiers: ClinVar variation 3907150 (VCV003907150.1).
Genomic context (GRCh38, chr6:52,025,181, plus strand): 5'-ACCAGAACAAGCATACCCATTTCTTGTATAAAAAACTGACAGGTAGTGGGGTCCTGGGGC[CAA>C]GTCTCTTGTCTGGCACACAACGTGGCTTGCATTAAAAAAAGTTACATTGCAAGGAAGTTG-3'